The following is an entry in ClinVar:

ClinVar aggregate classification (germline): Likely benign (0 of 4 stars; one submission).

Conditions:
LAMA5-related disorder. Also called: LAMA5-Related Disorders; LAMA5-related condition.

Allele frequency attached by ClinVar (database versions not stated): ESP Exome Variant Server 0.00008.
gnomAD v4.1: 33 of 1,580,052 alleles (0.0021%); highest among the groups gnomAD compares: African/African-American, 0.0054%; no homozygotes.

Submission:

PreventionGenetics, part of Exact Sciences
Classification: Likely benign for LAMA5-related condition. Last evaluated: 2019-07-16. Review status: no assertion criteria provided. Collection method: clinical testing. Allele origin: germline.
Comment: This variant is classified as likely benign based on ACMG/AMP sequence variant interpretation guidelines (Richards et al. 2015 PMID: 25741868, with internal and published modifications).

NM_005560.6(LAMA5):c.9729G>A (p.Arg3243=)

Gene: LAMA5 (laminin subunit alpha 5; minus strand). Cytogenetic location: 20q13.33.
Variant type: single nucleotide variant.
Coding change: c.9729G>A on transcript NM_005560.6 (MANE Select); coding-DNA position 9729, G replaced by A.
Protein change: p.Arg3243=; no amino-acid change (arginine 3243 retained).
Molecular consequence: synonymous variant.
Genome position (GRCh38, 1-based): chr20:62,311,691, C>T on the plus strand (G>A on the coding strand, the complement: LAMA5 is on the minus strand). VCF-style: chr20-62311691-C-T. GRCh37 (hg19) VCF-style: chr20-60886747-C-T.
Identifiers: ClinVar variation 3050753 (VCV003050753.2), dbSNP rs373377022, ClinGen allele CA9940083.